The following is an entry in ClinVar:

ClinVar aggregate classification (germline): Uncertain significance. Review status: criteria provided, multiple submitters, no conflicts (2 of 4 stars). 4 submissions from 4 submitters: Uncertain significance (4). Last evaluated 2024-05-21.

Conditions:
Nephrolithiasis/nephrocalcinosis. Identifiers: MedGen CN580796.
Autosomal dominant hypocalcemia 1 (HYPOC1). Also called: HYPOCALCEMIA, FAMILIAL. Identifiers: MedGen C3715128, MONDO:0011013, OMIM 601198.
Familial hypocalciuric hypercalcemia (FHH). Also called: Familial benign hypercalcemia. Identifiers: Orphanet 405, MedGen C1809471, MONDO:0018458.
Familial hypocalciuric hypercalcemia 1. Also called: Hypercalcemia, familial benign type 1. Identifiers: Orphanet 405, Orphanet 93372, MedGen C0342637, MONDO:0007791, OMIM 145980.
Neonatal severe primary hyperparathyroidism. Identifiers: Orphanet 417, MedGen C1832615, MONDO:0009397, OMIM 239200.
Epilepsy, idiopathic generalized, susceptibility to, 8. Identifiers: MedGen C2752062, MONDO:0013032, OMIM 612899.

Allele frequency attached by ClinVar (database versions not stated): gnomAD exomes 0.00001; TOPMed 0.00001; ExAC 0.00002; gnomAD 0.00002.
gnomAD v4.1: 12 of 1,614,068 alleles (0.00074%); highest among the groups gnomAD compares: Admixed American, 0.0017%; no homozygotes.

Submissions (4):

Fulgent Genetics
Classification: Uncertain significance for Familial hypocalciuric hypercalcemia 1; Neonatal severe primary hyperparathyroidism; Autosomal dominant hypocalcemia 1; Epilepsy, idiopathic generalized, susceptibility to, 8. Last evaluated: 2024-05-21. Review status: criteria provided, single submitter. Criteria: ACMG Guidelines, 2015. Collection method: clinical testing. Allele origin: germline.

Labcorp Genetics (formerly Invitae), Labcorp
Classification: Uncertain significance for Familial hypocalciuric hypercalcemia; Autosomal dominant hypocalcemia 1. Last evaluated: 2023-12-07. Review status: criteria provided, single submitter. Criteria: Invitae Variant Classification Sherloc (09022015). Collection method: clinical testing. Allele origin: germline.
Comment: This sequence change replaces arginine, which is basic and polar, with cysteine, which is neutral and slightly polar, at codon 701 of the CASR protein (p.Arg701Cys). This variant is present in population databases (rs757302986, gnomAD 0.004%). This variant has not been reported in the literature in individuals affected with CASR-related conditions. ClinVar contains an entry for this variant (Variation ID: 1009798). An algorithm developed to predict the effect of missense changes on protein structure and function (PolyPhen-2) suggests that this variant is likely to be tolerated. In summary, the available evidence is currently insufficient to determine the role of this variant in disease. Therefore, it has been classified as a Variant of Uncertain Significance.

Ambry Genetics
Classification: Uncertain significance for Nephrolithiasis/nephrocalcinosis. Last evaluated: 2022-10-20. Review status: criteria provided, single submitter. Criteria: Ambry Variant Classification Scheme 2023. Collection method: clinical testing. Allele origin: germline.
Comment: The p.R701C variant (also known as c.2101C>T), located in coding exon 6 of the CASR gene, results from a C to T substitution at nucleotide position 2101. The arginine at codon 701 is replaced by cysteine, an amino acid with highly dissimilar properties. This amino acid position is conserved. In addition, this alteration is predicted to be deleterious by in silico analysis. Since supporting evidence is limited at this time, the clinical significance of this alteration remains unclear.

Neuberg Centre For Genomic Medicine, NCGM
Classification: Uncertain significance for Autosomal dominant hypocalcemia 1. Review status: criteria provided, single submitter. Criteria: ACMG Guidelines, 2015. Collection method: clinical testing. Allele origin: germline. Inheritance: Autosomal dominant inheritance. Affected: yes.
Comment: The variant c.2131C>T (p.Arg711Cys) in CASR gene has not been reported previously as a pathogenic variant nor as a benign variant, to our knowledge. The p.Arg711Cys variant is novel (not in any individuals) in 1000 Genomes and has a frequency of 0.0012% in gnomAD exomes database. This variant has been submitted to ClinVar as Uncertain Significance. The amino acid Arg at position 711 is changed to a Cys changing protein sequence and it might alter its composition and physico-chemical properties. In silico tools predict the variant to be tolerated. The residue is conserved across species. The amino acid change p.Arg711Cys in CASR is predicted as conserved by GERP++ and PhyloP across 100 vertebrates. For these reasons, this variant has been classified as Uncertain Significance.

NM_000388.4(CASR):c.2101C>T (p.Arg701Cys)

Gene: CASR (calcium sensing receptor; plus strand). Cytogenetic location: 3q21.1.
Variant type: single nucleotide variant.
Coding change: c.2101C>T on transcript NM_000388.4 (MANE Select); coding-DNA position 2101, C replaced by T.
Protein change: p.Arg701Cys; replaces arginine 701 with cysteine.
Molecular consequence: missense variant.
Genome position (GRCh38, 1-based): chr3:122,284,055, C>T. VCF-style: chr3-122284055-C-T. GRCh37 (hg19) VCF-style: chr3-122002902-C-T.
Other names: c.2131C>T, p.Arg711Cys (NM_001178065.2); short protein forms R701C, R711C.
Identifiers: ClinVar variation 1009798 (VCV001009798.10), dbSNP rs757302986, ClinGen allele CA2569780.